The following is an entry in ClinVar:

NM_000191.3(HMGCL):c.27del (p.Arg10fs)

Gene: HMGCL (3-hydroxy-3-methylglutaryl-CoA lyase; minus strand). Cytogenetic location: 1p36.11.
Variant type: Deletion.
Coding change: c.27del on transcript NM_000191.3 (MANE Select); coding-DNA position 27, one base deleted (G; older notation c.27delG).
Protein change: p.Arg10fs; shifts the reading frame from arginine 10.
Molecular consequence: frameshift variant.
Genome position (GRCh38, 1-based): chr1:23,825,389, C deleted on the plus strand (G on the coding strand, the reverse complement: HMGCL is on the minus strand). VCF-style (leftmost placement, unchanged base first): chr1-23825388-GC-G. GRCh37 (hg19) VCF-style: chr1-24151878-GC-G.
Other names: c.27del, p.Arg10fs (NM_001166059.2); c.27del (NM_000191.2); short protein forms R10fs.
Identifiers: ClinVar variation 557324 (VCV000557324.13), dbSNP rs1409716731, ClinGen allele CA521652907.

ClinVar aggregate classification (germline): Pathogenic. Review status: criteria provided, multiple submitters, no conflicts (2 of 4 stars). 7 submissions from 7 submitters: Pathogenic (6). 1 of the submissions does not count toward it. Last evaluated 2025-08-18.

Conditions:
HMGCL-related disorders.
Long chain 3-hydroxyacyl-CoA dehydrogenase deficiency. Also called: Deficiency of long-chain 3-hydroxyacyl-coenzyme A dehydrogenase; LCHAD Deficiency. Identifiers: Orphanet 5, MedGen C3711645, MONDO:0012173, OMIM 609016.
Deficiency of hydroxymethylglutaryl-CoA lyase (HMGCLD). Also called: HMGCL DEFICIENCY; HYDROXYMETHYLGLUTARIC ACIDURIA; Defect in leucine metabolism; 3-hydroxy-3-methylglutaric aciduria; HMG-CoA LYASE DEFICIENCY. Identifiers: Orphanet 20, MedGen C1533587, MONDO:0009520, OMIM 246450.

Allele frequency attached by ClinVar (database versions not stated): gnomAD exomes 0.00001; TOPMed 0.00001; gnomAD 0.00002.

Submissions (7):

Natera, Inc.
Classification: Pathogenic for Deficiency of long-chain 3-hydroxyacyl-coenzyme A dehydrogenase. Last evaluated: 2025-08-18. Review status: criteria provided, single submitter. Criteria: Natera Variant Classification Schema (03/2026). Collection method: clinical testing. Allele origin: germline.
Comment: The c.27delG variant in HMGCL is a frameshift variant predicted to shift the reading frame beginning at codon 10 and leads to a stop codon 24 codons downstream. This variant is expected to result in nonsense mediated decay, truncation, or a dysfunctional protein product. This variant is rare in the general population with a frequency below the threshold expected for the associated phenotype(s). This variant has been observed in one or more individuals affected with the associated recessive disease, as either homozygous or compound heterozygous with a second variant (PMID: 14518825). Given the available evidence, this variant is classified as Pathogenic.

Fulgent Genetics
Classification: Pathogenic for Deficiency of hydroxymethylglutaryl-CoA lyase. Last evaluated: 2024-05-11. Review status: criteria provided, single submitter. Criteria: ACMG Guidelines, 2015. Collection method: clinical testing. Allele origin: germline.

Labcorp Genetics (formerly Invitae), Labcorp
Classification: Pathogenic for Deficiency of hydroxymethylglutaryl-CoA lyase. Last evaluated: 2024-03-16. Review status: criteria provided, single submitter. Criteria: Invitae Variant Classification Sherloc (09022015). Collection method: clinical testing. Allele origin: germline.
Comment: This sequence change creates a premature translational stop signal (p.Arg10Glyfs*24) in the HMGCL gene. It is expected to result in an absent or disrupted protein product. Loss-of-function variants in HMGCL are known to be pathogenic (PMID: 9817922, 17692550, 23465862). This variant is present in population databases (no rsID available, gnomAD 0.007%). This premature translational stop signal has been observed in individual(s) with 3-hydroxy-3-methylglutaryl (3HMG)-CoA lyase deficiency (PMID: 14518825, 28583327). ClinVar contains an entry for this variant (Variation ID: 557324). For these reasons, this variant has been classified as Pathogenic.

Genome-Nilou Lab
Classification: Pathogenic for Deficiency of hydroxymethylglutaryl-CoA lyase. Last evaluated: 2023-04-11. Review status: criteria provided, single submitter. Criteria: ACMG Guidelines, 2015. Collection method: clinical testing. Allele origin: germline. Affected: no.

Blueprint Genetics
Classification: Pathogenic for HMGCL-related disorders. Last evaluated: 2020-12-04. Review status: criteria provided, single submitter. Criteria: ACMG Guidelines, 2015. Collection method: clinical testing. Allele origin: germline. Affected: yes. Observed: 2 variant alleles.

Women's Health and Genetics/Laboratory Corporation of America, LabCorp
Classification: Pathogenic for Deficiency of hydroxymethylglutaryl-CoA lyase. Last evaluated: 2019-09-27. Review status: criteria provided, single submitter. Criteria: LabCorp Variant Classification Summary - May 2015. Collection method: clinical testing. Allele origin: germline.
Comment: Variant summary: HMGCL c.27delG (p.Arg10GlyfsX24) results in a premature termination codon, predicted to cause a truncation of the encoded protein or absence of the protein due to nonsense mediated decay, which are commonly known mechanisms for disease. The variant was absent in 165996 control chromosomes (gnomAD). c.27delG has been reported in the literature in compound heterozygosity with other pathogenic variants in two individuals affected with HMG-CoA Lyase Deficiency; enzymatic activity was determined to be deficient in both patients (Grunert_2017, Pospisilova_2003). These data indicate that the variant is associated with disease. A ClinVar submitter (evaluation after 2014) cites the variant as pathogenic. Based on the evidence outlined above, the variant was classified as pathogenic.

Counsyl
Classification: Pathogenic for Deficiency of hydroxymethylglutaryl-CoA lyase. Last evaluated: 2018-03-21. Review status: no assertion criteria provided. Collection method: clinical testing. Allele origin: unknown. Not counted in ClinVar's aggregate classification.

Literature cited by the submitters: PubMed 14518825 (cited by 4 submitters); PubMed 9817922 (cited by Labcorp Genetics (formerly Invitae), Labcorp); PubMed 17692550 (cited by Labcorp Genetics (formerly Invitae), Labcorp and Women's Health and Genetics/Laboratory Corporation of America, LabCorp); PubMed 23465862 (cited by Labcorp Genetics (formerly Invitae), Labcorp); PubMed 28583327 (cited by 3 submitters).